The following is an entry in ClinVar:

ClinVar aggregate classification (germline): Uncertain significance (1 of 4 stars; one submission).

Allele frequency attached by ClinVar (database versions not stated): gnomAD 0.00001; gnomAD exomes 0.00001; TOPMed 0.00001; ExAC 0.00007.

Submission:

Labcorp Genetics (formerly Invitae), Labcorp
Classification: Uncertain significance. Last evaluated: 2025-03-17. Review status: criteria provided, single submitter. Criteria: Invitae Variant Classification Sherloc (09022015). Collection method: clinical testing. Allele origin: germline.
Comment: This sequence change replaces proline, which is neutral and non-polar, with arginine, which is basic and polar, at codon 466 of the SAMD11 protein (p.Pro466Arg). This variant is present in population databases (rs754468595, gnomAD 0.002%). This variant has not been reported in the literature in individuals affected with SAMD11-related conditions. ClinVar contains an entry for this variant (Variation ID: 1056825). An algorithm developed to predict the effect of missense changes on protein structure and function (PolyPhen-2) suggests that this variant is likely to be tolerated. In summary, the available evidence is currently insufficient to determine the role of this variant in disease. Therefore, it has been classified as a Variant of Uncertain Significance.

NM_001385641.1(SAMD11):c.1886C>G (p.Pro629Arg)

Gene: SAMD11 (sterile alpha motif domain containing 11; plus strand). Cytogenetic location: 1p36.33.
Variant type: single nucleotide variant.
Coding change: c.1886C>G on transcript NM_001385641.1 (MANE Select); coding-DNA position 1886, C replaced by G.
Protein change: p.Pro629Arg; replaces proline 629 with arginine.
Molecular consequence: missense variant.
Genome position (GRCh38, 1-based): chr1:942,891, C>G. VCF-style: chr1-942891-C-G. GRCh37 (hg19) VCF-style: chr1-878271-C-G.
Other names: c.1889C>G, p.Pro630Arg (NM_001385640.1); c.1397C>G, p.Pro466Arg (NM_152486.4); short protein forms P466R, P629R, P630R.
Identifiers: ClinVar variation 1056825 (VCV001056825.9), dbSNP rs754468595, ClinGen allele CA503014.